The following is an entry in ClinVar:

ClinVar aggregate classification (germline): Uncertain significance (1 of 4 stars; one submission).

gnomAD v4.1: 2 of 1,595,928 alleles (0.00013%); highest among the groups gnomAD compares: Non-Finnish European, 0.00017%; no homozygotes.

Submission:

Ambry Genetics
Classification: Uncertain significance. Last evaluated: 2024-10-13. Review status: criteria provided, single submitter. Criteria: Ambry Variant Classification Scheme 2023. Collection method: clinical testing. Allele origin: germline.
Comment: The p.T35I variant (also known as c.104C>T), located in coding exon 3 of the RINT1 gene, results from a C to T substitution at nucleotide position 104. The threonine at codon 35 is replaced by isoleucine, an amino acid with similar properties. This amino acid position is conserved. In addition, this alteration is predicted to be tolerated by in silico analysis. Based on the available evidence, the clinical significance of this variant remains unclear.

NM_021930.6(RINT1):c.104C>T (p.Thr35Ile)

Gene: RINT1 (RAD50 interactor 1; plus strand). Cytogenetic location: 7q22.3.
Variant type: single nucleotide variant.
Coding change: c.104C>T on transcript NM_021930.6 (MANE Select); coding-DNA position 104, C replaced by T.
Protein change: p.Thr35Ile; replaces threonine 35 with isoleucine.
Molecular consequence: missense variant. On other transcripts: nonsense (1), 5 prime UTR variant (3), non-coding transcript variant (1).
Genome position (GRCh38, 1-based): chr7:105,536,580, C>T. VCF-style: chr7-105536580-C-T. GRCh37 (hg19) VCF-style: chr7-105177027-C-T.
Other names: c.7C>T, p.Gln3Ter (NM_001346599.2); c.-916C>T (NM_001346600.2); c.-819C>T (NM_001346601.2); c.-439C>T (NM_001346603.2); short protein forms Q3*, T35I.
Identifiers: ClinVar variation 3433634 (VCV003433634.1).
Genomic context (GRCh38, chr7:105,536,580, plus strand): 5'-CATAGTACTTAGTGGCGTTGAGTAATTGTTATTCTTTTGTTGTAGGTGACATAAATGTTA[C>T]AGTTCTTATTGGAAGTAAACAAGTCAGTGAAGGTACAGATAATGGTGATCTCCCTTCTTA-3'
Protein context (NP_068749.3, residues 25-45): NLEEKSDINV[Thr35Ile]VLIGSKQVSE